The following is an entry in ClinVar:

NM_032603.5(LOXL3):c.87T>G (p.Pro29=)

Genes: LOXL3 (lysyl oxidase like 3; minus strand), DOK1 (docking protein 1; plus strand). Cytogenetic location: 2p13.1.
Variant type: single nucleotide variant.
Coding change: c.87T>G on transcript NM_032603.5 (MANE Select); coding-DNA position 87, T replaced by G.
Protein change: p.Pro29=; no amino-acid change (proline 29 retained).
Molecular consequence: synonymous variant. On other transcripts: intron variant (1).
Genome position (GRCh38, 1-based): chr2:74,552,548, A>C on the plus strand (T>G on the coding strand, the complement: LOXL3 is on the minus strand). VCF-style: chr2-74552548-A-C. GRCh37 (hg19) VCF-style: chr2-74779675-A-C.
Other names: c.87T>G, p.Pro29= (NM_001289164.3); c.-357-2606A>C (NM_001197260.2).
Identifiers: ClinVar variation 1623162 (VCV001623162.31), dbSNP rs141478697, ClinGen allele CA1729267.

ClinVar aggregate classification (germline): Benign/Likely benign. Review status: criteria provided, multiple submitters, no conflicts (2 of 4 stars). 3 submissions from 3 submitters: Benign (1); Likely benign (2). Last evaluated 2026-05-12.

Allele frequency attached by ClinVar (database versions not stated): ESP Exome Variant Server 0.00177; gnomAD exomes 0.00016 and 0.00046; ExAC 0.00065; gnomAD 0.00206 and 0.00212; TOPMed 0.00209; 1000 Genomes Project 30x 0.00328; 1000 Genomes Project 0.00280.
gnomAD v4.1: 565 of 1,612,318 alleles (0.035%); highest among the groups gnomAD compares: African/African-American, 0.68%; 1 homozygote.

Submissions (3):

Women's Health and Genetics/Laboratory Corporation of America, LabCorp
Classification: Likely benign. Last evaluated: 2026-05-12. Review status: criteria provided, single submitter. Criteria: LabCorp Variant Classification Summary - May 2015. Collection method: clinical testing. Allele origin: germline.

Labcorp Genetics (formerly Invitae), Labcorp
Classification: Benign. Last evaluated: 2026-01-02. Review status: criteria provided, single submitter. Criteria: Invitae Variant Classification Sherloc (09022015). Collection method: clinical testing. Allele origin: germline.

CeGaT Center for Human Genetics Tuebingen
Classification: Likely benign. Last evaluated: 2022-11-01. Review status: criteria provided, single submitter. Criteria: CeGaT Center For Human Genetics Tuebingen Variant Classification Criteria Version 2. Collection method: clinical testing. Allele origin: germline. Affected: yes. Observed: 1 variant allele.
Comment: LOXL3: BP4, BP7